The following is an entry in ClinVar:

ClinVar aggregate classification (germline): Likely benign (0 of 4 stars; one submission).

Conditions:
DNAH11-related disorder. Also called: DNAH11-related condition.

Submission:

PreventionGenetics, part of Exact Sciences
Classification: Likely benign for DNAH11-related condition. Last evaluated: 2024-05-31. Review status: no assertion criteria provided. Collection method: clinical testing. Allele origin: germline.
Comment: This variant is classified as likely benign based on ACMG/AMP sequence variant interpretation guidelines (Richards et al. 2015 PMID: 25741868, with internal and published modifications).

NM_001277115.2(DNAH11):c.7267-843A>G

Gene: DNAH11 (dynein axonemal heavy chain 11; plus strand). Cytogenetic location: 7p15.3.
Variant type: single nucleotide variant.
Coding change: c.7267-843A>G on transcript NM_001277115.2 (MANE Select); 843 bases into the intron before coding-DNA position 7267, A replaced by G.
Molecular consequence: intron variant.
Genome position (GRCh38, 1-based): chr7:21,724,968, A>G. VCF-style: chr7-21724968-A-G. GRCh37 (hg19) VCF-style: chr7-21764586-A-G.
Identifiers: ClinVar variation 3345057 (VCV003345057.1).
Genomic context (GRCh38, chr7:21,724,968, plus strand): 5'-AGGAGTCACTGGGCCAGATCATCCTGTGGACATGGGCATCACTGGGACAGGTCATCCTGT[A>G]GACATGGGCATCACTGGGCCAGGTCATCCTGTGGATATAGAAGGGTTTTTCTAGTTGTTG-3'